The following is an entry in ClinVar:

ClinVar aggregate classification (germline): Uncertain significance. Review status: criteria provided, multiple submitters, no conflicts (2 of 4 stars). 3 submissions from 3 submitters: Uncertain significance (3). Last evaluated 2021-11-07.

Conditions:
Hereditary cancer-predisposing syndrome. Also called: Tumor predisposition; Hereditary neoplastic syndrome; Neoplastic Syndromes, Hereditary; Hereditary Cancer Syndrome. Identifiers: Orphanet 140162, MedGen C0027672, MeSH D009386, MONDO:0015356.
Microcephaly, normal intelligence and immunodeficiency (NBS). Also called: Nijmegen breakage syndrome; Microcephaly with normal intelligence immunodeficiency and lymphoreticular malignancies; Nonsyndromal microcephaly autosomal recessive with normal intelligence; Seemanova syndrome 2; IMMUNODEFICIENCY, MICROCEPHALY, AND CHROMOSOMAL INSTABILITY; SEEMANOVA SYNDROME II. Identifiers: Orphanet 647, MedGen C0398791, MONDO:0009623, OMIM 251260.

gnomAD v4.1: 1 of 1,614,130 alleles (0.000062%); highest among the groups gnomAD compares: Non-Finnish European, 0.000085%; no homozygotes.

Submissions (3):

Genome-Nilou Lab
Classification: Uncertain significance for Microcephaly, normal intelligence and immunodeficiency. Last evaluated: 2021-11-07. Review status: criteria provided, single submitter. Criteria: ACMG Guidelines, 2015. Collection method: clinical testing. Allele origin: germline. Affected: no.

Labcorp Genetics (formerly Invitae), Labcorp
Classification: Uncertain significance for Microcephaly, normal intelligence and immunodeficiency. Last evaluated: 2021-07-03. Review status: criteria provided, single submitter. Criteria: Invitae Variant Classification Sherloc (09022015). Collection method: clinical testing. Allele origin: germline.
Comment: Algorithms developed to predict the effect of missense changes on protein structure and function are either unavailable or do not agree on the potential impact of this missense change (SIFT: "Deleterious"; PolyPhen-2: "Possibly Damaging"; Align-GVGD: "Class C15"). This sequence change replaces serine with cysteine at codon 355 of the NBN protein (p.Ser355Cys). The serine residue is weakly conserved and there is a moderate physicochemical difference between serine and cysteine. This variant is present in population databases (rs762376159, ExAC 0.001%). This variant has not been reported in the literature in individuals with NBN-related conditions. In summary, the available evidence is currently insufficient to determine the role of this variant in disease. Therefore, it has been classified as a Variant of Uncertain Significance.

Ambry Genetics
Classification: Uncertain significance for Hereditary cancer-predisposing syndrome. Last evaluated: 2020-02-13. Review status: criteria provided, single submitter. Criteria: Ambry Variant Classification Scheme 2023. Collection method: clinical testing. Allele origin: germline.
Comment: The p.S355C variant (also known as c.1063A>T), located in coding exon 9 of the NBN gene, results from an A to T substitution at nucleotide position 1063. The serine at codon 355 is replaced by cysteine, an amino acid with dissimilar properties. This amino acid position is not well conserved in available vertebrate species. In addition, this alteration is predicted to be tolerated by in silico analysis. Since supporting evidence is limited at this time, the clinical significance of this alteration remains unclear.

NM_002485.5(NBN):c.1063A>T (p.Ser355Cys)

Gene: NBN (nibrin; minus strand). Cytogenetic location: 8q21.3.
Variant type: single nucleotide variant.
Coding change: c.1063A>T on transcript NM_002485.5 (MANE Select); coding-DNA position 1063, A replaced by T.
Protein change: p.Ser355Cys; replaces serine 355 with cysteine.
Molecular consequence: missense variant.
Genome position (GRCh38, 1-based): chr8:89,958,786, T>A on the plus strand (A>T on the coding strand, the complement: NBN is on the minus strand). VCF-style: chr8-89958786-T-A. GRCh37 (hg19) VCF-style: chr8-90971014-T-A.
Other names: c.817A>T, p.Ser273Cys (NM_001024688.3); short protein forms S355C, S273C.
Identifiers: ClinVar variation 925895 (VCV000925895.17), dbSNP rs762376159, ClinGen allele CA4802811.